The following is an entry in ClinVar:

NM_004329.3(BMPR1A):c.-5G>A

Gene: BMPR1A (bone morphogenetic protein receptor type 1A; plus strand). Cytogenetic location: 10q23.2.
Variant type: single nucleotide variant.
Coding change: c.-5G>A on transcript NM_004329.3 (MANE Select); 5 bases upstream of the start codon, G replaced by A.
Molecular consequence: 5 prime UTR variant. On other transcripts: non-coding transcript variant (3), intron variant (4).
Genome position (GRCh38, 1-based): chr10:86,876,014, G>A. VCF-style: chr10-86876014-G-A. GRCh37 (hg19) VCF-style: chr10-88635771-G-A.
Other names: c.-5G>A (NM_001406559.1, NM_001406560.1, NM_001406561.1 and 23 more transcripts); c.-84G>A (NM_001406588.1); c.-17-14048G>A (NM_001406584.1, NM_001406587.1, NM_001406585.1); c.-12-14053G>A (NM_001406586.1).
Identifiers: ClinVar variation 3824706 (VCV003824706.1).

ClinVar aggregate classification (germline): Uncertain significance (1 of 4 stars; one submission).

Conditions:
Hereditary cancer-predisposing syndrome. Also called: Hereditary neoplastic syndrome; Neoplastic Syndromes, Hereditary; Tumor predisposition; Hereditary Cancer Syndrome. Identifiers: Orphanet 140162, MedGen C0027672, MeSH D009386, MONDO:0015356.

Submission:

Ambry Genetics
Classification: Uncertain significance for Hereditary cancer-predisposing syndrome. Last evaluated: 2025-03-13. Review status: criteria provided, single submitter. Criteria: Ambry Variant Classification Scheme 2023. Collection method: clinical testing. Allele origin: germline.
Comment: The c.-5G>A variant is located in the 5' untranslated region (5&rsquo; UTR) of the BMPR1A gene. This variant results from a G to A substitution 5 bases upstream from the first translated codon. This nucleotide position is well conserved in available vertebrate species. Based on the available evidence, the clinical significance of this variant remains unclear.